The following is an entry in ClinVar:

NM_001142800.2(EYS):c.748+1G>A

Gene: EYS (EGF-like photoreceptor maintenance factor; minus strand). Cytogenetic location: 6q12.
Variant type: single nucleotide variant.
Coding change: c.748+1G>A on transcript NM_001142800.2 (MANE Select); the canonical splice donor site of the intron after coding-DNA position 748, G replaced by A.
Molecular consequence: splice donor variant.
Genome position (GRCh38, 1-based): chr6:65,494,662, C>T on the plus strand (G>A on the coding strand, the complement: EYS is on the minus strand). VCF-style: chr6-65494662-C-T. GRCh37 (hg19) VCF-style: chr6-66204555-C-T.
Other names: c.748+1G>A (NM_001142800.1, NM_001292009.2, NM_001142801.2 and 1 more transcripts).
Identifiers: ClinVar variation 1464993 (VCV001464993.9), dbSNP rs1766169568, ClinGen allele CA364789219.

ClinVar aggregate classification (germline): Likely pathogenic. Review status: criteria provided, multiple submitters, no conflicts (2 of 4 stars). 4 submissions from 4 submitters: Likely pathogenic (4). Last evaluated 2025-08-12.

Conditions:
EYS-related disorder. Also called: EYS-related condition.
Retinitis pigmentosa 25 (RP25). Identifiers: Orphanet 791, MedGen C1864446, MONDO:0011272, OMIM 602772.

gnomAD v4.1: 3 of 1,553,454 alleles (0.00019%); highest among the groups gnomAD compares: Non-Finnish European, 0.00026%; no homozygotes.

Submissions (4):

Natera, Inc.
Classification: Likely pathogenic for Retinitis pigmentosa type 25. Last evaluated: 2025-08-12. Review status: criteria provided, single submitter. Criteria: Natera Variant Classification Schema (03/2026). Collection method: clinical testing. Allele origin: germline.
Comment: The c.748+1G>A variant in EYS is a canonical splice donor site variant predicted to affect pre-mRNA splicing, which may result in an abnormal transcript and altered protein product. This variant is expected to result in nonsense mediated decay, truncation, or a dysfunctional protein product. This variant is rare in the general population with a frequency below the threshold expected for the associated phenotype(s). Given the available evidence, this variant is classified as Likely Pathogenic.

Baylor Genetics
Classification: Likely pathogenic for Retinitis pigmentosa 25. Last evaluated: 2023-08-29. Review status: criteria provided, single submitter. Criteria: ACMG Guidelines, 2015. Collection method: clinical testing. Allele origin: unknown.

Labcorp Genetics (formerly Invitae), Labcorp
Classification: Likely pathogenic. Last evaluated: 2021-11-26. Review status: criteria provided, single submitter. Criteria: Invitae Variant Classification Sherloc (09022015). Collection method: clinical testing. Allele origin: germline.
Comment: In summary, the currently available evidence indicates that the variant is pathogenic, but additional data are needed to prove that conclusively. Therefore, this variant has been classified as Likely Pathogenic. Algorithms developed to predict the effect of sequence changes on RNA splicing suggest that this variant may disrupt the consensus splice site. Disruption of this splice site has been observed in individual(s) with clinical features of retinitis pigmentosa (Invitae). This variant is not present in population databases (gnomAD no frequency). This sequence change affects a donor splice site in intron 4 of the EYS gene. It is expected to disrupt RNA splicing. Variants that disrupt the donor or acceptor splice site typically lead to a loss of protein function (PMID: 16199547), and loss-of-function variants in EYS are known to be pathogenic (PMID: 18836446, 20333770).

Blueprint Genetics
Classification: Likely pathogenic for EYS-related disorders. Last evaluated: 2021-10-15. Review status: criteria provided, single submitter. Criteria: ACMG Guidelines, 2015. Collection method: clinical testing. Allele origin: germline. Affected: yes. Observed: 1 variant allele.

Literature cited by the submitters: PubMed 16199547 (cited by Labcorp Genetics (formerly Invitae), Labcorp); PubMed 18836446 (cited by Labcorp Genetics (formerly Invitae), Labcorp); PubMed 20333770 (cited by Labcorp Genetics (formerly Invitae), Labcorp).